The following is an entry in ClinVar:

ClinVar aggregate classification (germline): Likely pathogenic (1 of 4 stars; one submission).

Conditions:
Primary ciliary dyskinesia 3. Identifiers: Orphanet 244, MedGen C1837618, MONDO:0012085, OMIM 608644.

Submission:

Myriad Genetics, Inc.
Classification: Likely pathogenic for Primary ciliary dyskinesia 3. Last evaluated: 2021-12-30. Review status: criteria provided, single submitter. Criteria: Myriad Women's Health Autosomal Recessive and X-Linked Classification Criteria (2021). Collection method: clinical testing. Allele origin: unknown.
Comment: NM_001369.2(DNAH5):c.8001G>A(W2667*) is expected to be pathogenic in the context of DNAH5-related primary ciliary dyskinesia. This variant is predicted to lead to an abnormal or absent protein product due to the creation of a premature termination codon in DNAH5, a gene where loss-of-function variants are known to be pathogenic. Please note: this variant was assessed in the context of healthy population screening.

NM_001369.3(DNAH5):c.8001G>A (p.Trp2667Ter)

Gene: DNAH5 (dynein axonemal heavy chain 5; minus strand). Cytogenetic location: 5p15.2.
Variant type: single nucleotide variant.
Coding change: c.8001G>A on transcript NM_001369.3 (MANE Select); coding-DNA position 8001, G replaced by A.
Protein change: p.Trp2667Ter; replaces tryptophan 2667 with a stop codon.
Molecular consequence: nonsense.
Genome position (GRCh38, 1-based): chr5:13,793,945, C>T on the plus strand (G>A on the coding strand, the complement: DNAH5 is on the minus strand). VCF-style: chr5-13793945-C-T. GRCh37 (hg19) VCF-style: chr5-13794054-C-T.
Other names: short protein forms W2667*.
Identifiers: ClinVar variation 1726666 (VCV001726666.2), dbSNP rs2546745553, ClinGen allele CA359221784.
Genomic context (GRCh38, chr5:13,793,945, plus strand): 5'-ATAAATCAATACCAAATTAAAGAAATAAAATGCACAATAGAATGATGATACCTGATCTCC[C>T]CACTCATTGATTATTGGCATATTCACATCATCAATAAAAACAGTCATCTTCTTTCCCGCA-3'